The following is an entry in ClinVar:

ClinVar aggregate classification (germline): Uncertain significance (1 of 4 stars; one submission).

Submission:

Women's Health and Genetics/Laboratory Corporation of America, LabCorp
Classification: Uncertain significance. Last evaluated: 2026-04-01. Review status: criteria provided, single submitter. Criteria: LabCorp Variant Classification Summary - May 2015. Collection method: clinical testing. Allele origin: germline.
Comment: Variant summary: FANCA c.3490C>A (p.Pro1164Thr) results in a non-conservative amino acid change in the encoded protein sequence. Algorithms developed to predict the effect of missense changes on protein structure and function all suggest that this variant is likely to be disruptive. The variant was absent in 251432 control chromosomes. To our knowledge, no occurrence of c.3490C>A in individuals affected with FANCA-related conditions and no experimental evidence demonstrating its impact on protein function have been reported. Different variants affecting the same codon have been classified as likely pathogenic/pathogenic by our lab (c.3490C>T/p.Pro1164Ser and c.3491C>T/p.Pro1164Leu), supporting the critical relevance of codon 1164 to FANCA protein function. No submitters have cited clinical-significance assessments for this variant to ClinVar. Based on the evidence outlined above, the variant was classified as VUS-possibly pathogenic.

NM_000135.4(FANCA):c.3490C>A (p.Pro1164Thr)

Gene: FANCA (FA complementation group A; minus strand). Cytogenetic location: 16q24.3.
Variant type: single nucleotide variant.
Coding change: c.3490C>A on transcript NM_000135.4 (MANE Select); coding-DNA position 3490, C replaced by A.
Protein change: p.Pro1164Thr; replaces proline 1164 with threonine.
Molecular consequence: missense variant.
Genome position (GRCh38, 1-based): chr16:89,746,607, G>T on the plus strand (C>A on the coding strand, the complement: FANCA is on the minus strand). VCF-style: chr16-89746607-G-T. GRCh37 (hg19) VCF-style: chr16-89813015-G-T.
Other names: c.3490C>A, p.Pro1164Thr (NM_001286167.3); short protein forms P1164T.
Identifiers: ClinVar variation 4848984 (VCV004848984.1).